The following is an entry in ClinVar:

NM_000018.4(ACADVL):c.145_146dup (p.Asp50fs)

Gene: ACADVL (acyl-CoA dehydrogenase very long chain; plus strand). Cytogenetic location: 17p13.1.
Variant type: Microsatellite.
Coding change: c.145_146dup on transcript NM_000018.4 (MANE Select); coding-DNA positions 145 to 146, 2 bases duplicated (CT; older notation c.145_146dupCT).
Protein change: p.Asp50fs; shifts the reading frame from aspartic acid 50.
Molecular consequence: frameshift variant. On other transcripts: 5 prime UTR variant (1), intron variant (1).
Genome position (GRCh38, 1-based): chr17:7,220,470-7,220,471, CT duplicated; duplicating any 2 consecutive bases within chr17:7,220,468-7,220,471 gives the same sequence; the c. name uses the placement nearest the transcript's 3' end. VCF-style (leftmost placement, unchanged base first): chr17-7220467-G-GCT. GRCh37 (hg19) VCF-style: chr17-7123786-G-GCT.
Other names: c.214_215dup, p.Asp73fs (NM_001270447.2); c.-86CT[3] (NM_001270448.2); c.139-136CT[3] (NM_001033859.3); short protein forms D50fs, D73fs.
Identifiers: ClinVar variation 1073045 (VCV001073045.9), dbSNP rs1567560601, ClinGen allele CA624861244.
Genomic context (GRCh38, chr17:7,220,467, plus strand): 5'-TCCCCTTGACACAGCGGAAGTCCCTTCCCTGAACTTGCTAACCGTCTCTTTTCCCAGCTG[G>GCT]CTCTGGACAAGTCAGATTCCCACCCCTCTGACGCTCTGACCAGGAAAAAACCGGCCAAGG-3'

ClinVar aggregate classification (germline): Likely pathogenic. Review status: reviewed by expert panel (3 of 4 stars). 2 submissions from 2 submitters: Likely pathogenic (1). 1 of the submissions does not count toward it. Last evaluated 2022-09-20.

Conditions:
Very long chain acyl-CoA dehydrogenase deficiency (ACADVLD). Also called: Very Long-Chain Acyl-Coenzyme A Dehydrogenase Deficiency; VLCAD Deficiency. Identifiers: Orphanet 26793, MedGen C3887523, MONDO:0008723, OMIM 201475.

Submissions (2):

ClinGen ACADVL Variant Curation Expert Panel, ClinGen
Classification: Likely pathogenic for Very long chain acyl-CoA dehydrogenase deficiency. Last evaluated: 2022-09-20. Review status: reviewed by expert panel. Criteria: clingen acadvl acmg specifications v1. Collection method: curation. Allele origin: germline. Inheritance: Autosomal recessive inheritance.
Comment: The NM_000018.4(ACADVL):c.145_146dup (p.Asp50Trpfs*12) variant is a frameshift variant predicted to cause a premature stop codon in biologically relevant exon 8/20 leading to nonsense mediated decay in a gene in which loss-of-function is an established disease mechanism (PVS1). This variant is absent from gnomAD v2.1.1 (PM2_supporting). To our knowledge, this variant has not been reported in the literature in individuals with ACADVL-related conditions. The ACADVL Variant Curation Expert Panel VCEP classified the variant as likely pathogenic based on PVS1+PM2_supporting. VCEP classification criteria version 2, 10/15/21.

Labcorp Genetics (formerly Invitae), Labcorp
Classification: Pathogenic for Very long chain acyl-CoA dehydrogenase deficiency. Last evaluated: 2020-11-03. Review status: criteria provided, single submitter. Criteria: Invitae Variant Classification Sherloc (09022015). Collection method: clinical testing. Allele origin: germline. Not counted in ClinVar's aggregate classification.
Comment: This variant has not been reported in the literature in individuals with ACADVL-related conditions. For these reasons, this variant has been classified as Pathogenic. Loss-of-function variants in ACADVL are known to be pathogenic (PMID: 9973285, 11590124). This variant is not present in population databases (ExAC no frequency). This sequence change creates a premature translational stop signal (p.Asp50Trpfs*12) in the ACADVL gene. It is expected to result in an absent or disrupted protein product.

Literature cited by the submitters: PubMed 9973285 (cited by Labcorp Genetics (formerly Invitae), Labcorp); PubMed 11590124 (cited by Labcorp Genetics (formerly Invitae), Labcorp).